The following is an entry in ClinVar:

NM_017514.5(PLXNA3):c.869G>A (p.Arg290His)

Gene: PLXNA3 (plexin A3; plus strand). Cytogenetic location: Xq28.
Variant type: single nucleotide variant.
Coding change: c.869G>A on transcript NM_017514.5 (MANE Select); coding-DNA position 869, G replaced by A.
Protein change: p.Arg290His; replaces arginine 290 with histidine.
Molecular consequence: missense variant.
Genome position (GRCh38, 1-based): chrX:154,461,373, G>A. VCF-style: chrX-154461373-G-A. GRCh37 (hg19) VCF-style: chrX-153689713-G-A.
Other names: short protein forms R290H.
Identifiers: ClinVar variation 3351891 (VCV003351891.1).
Genomic context (GRCh38, chrX:154,461,373, plus strand): 5'-CAGAGTTCTACTCATACGTGGAATTCCCCATCGGCTGCTCCTGGCGCGGCGTGGAGTACC[G>A]CTTGGTGCAGAGCGCCCACCTGGCCAAGCCTGGCCTGCTGCTGGCCCAGGCCCTGGGCGT-3'
Protein context (NP_059984.3, residues 280-300): IGCSWRGVEY[Arg290His]LVQSAHLAKP

ClinVar aggregate classification (germline): Likely benign (0 of 4 stars; one submission).

Conditions:
PLXNA3-related disorder. Also called: PLXNA3-related condition.

gnomAD v4.1: 164 of 1,211,062 alleles (0.014%); highest among the groups gnomAD compares: East Asian, 0.19%; 2 homozygotes.

Submission:

PreventionGenetics, part of Exact Sciences
Classification: Likely benign for PLXNA3-related condition. Last evaluated: 2023-12-20. Review status: no assertion criteria provided. Collection method: clinical testing. Allele origin: germline.
Comment: This variant is classified as likely benign based on ACMG/AMP sequence variant interpretation guidelines (Richards et al. 2015 PMID: 25741868, with internal and published modifications).